The following is an entry in ClinVar:

ClinVar aggregate classification (germline): Likely benign (1 of 4 stars; one submission).

gnomAD v4.1: 77 of 1,597,810 alleles (0.0048%); highest among the groups gnomAD compares: Non-Finnish European, 0.0063%; no homozygotes.

Submission:

CeGaT Center for Human Genetics Tuebingen
Classification: Likely benign. Last evaluated: 2022-08-01. Review status: criteria provided, single submitter. Criteria: CeGaT Center For Human Genetics Tuebingen Variant Classification Criteria Version 2. Collection method: clinical testing. Allele origin: germline. Affected: yes. Observed: 1 variant allele.
Comment: GPR25: BP4, BP7

NM_005298.4(GPR25):c.699G>T (p.Pro233=)

Gene: GPR25 (G protein-coupled receptor 25; plus strand). Cytogenetic location: 1q32.1.
Variant type: single nucleotide variant.
Coding change: c.699G>T on transcript NM_005298.4 (MANE Select); coding-DNA position 699, G replaced by T.
Protein change: p.Pro233=; no amino-acid change (proline 233 retained).
Molecular consequence: synonymous variant.
Genome position (GRCh38, 1-based): chr1:200,873,736, G>T. VCF-style: chr1-200873736-G-T. GRCh37 (hg19) VCF-style: chr1-200842864-G-T.
Identifiers: ClinVar variation 2639728 (VCV002639728.24), dbSNP rs200829877, ClinGen allele CA1319536.
Genomic context (GRCh38, chr1:200,873,736, plus strand): 5'-GCCCCTGGTCGTCACCCTCTTCTGCTACTGCCGCATCTCGCGCCGCCTGCGACGGCCGCC[G>T]CACGTGGGTCGGGCCCGGAGGAACTCGCTGCGCATCATCTTCGCCATCGAGAGCACGTTT-3'
Protein context (NP_005289.2, residues 223-243): CRISRRLRRP[Pro233=]HVGRARRNSL